The following is an entry in ClinVar:

NM_006269.2(RP1):c.4766C>A (p.Ser1589Tyr)

Gene: RP1 (RP1 axonemal microtubule associated; plus strand). Cytogenetic location: 8q12.1.
Variant type: single nucleotide variant.
Coding change: c.4766C>A on transcript NM_006269.2 (MANE Select); coding-DNA position 4766, C replaced by A.
Protein change: p.Ser1589Tyr; replaces serine 1589 with tyrosine.
Molecular consequence: missense variant. On other transcripts: intron variant (1).
Genome position (GRCh38, 1-based): chr8:54,628,648, C>A. VCF-style: chr8-54628648-C-A. GRCh37 (hg19) VCF-style: chr8-55541208-C-A.
Other names: c.787+6360C>A (NM_001375654.1); short protein forms S1589Y.
Identifiers: ClinVar variation 1488394 (VCV001488394.8), dbSNP rs199756880, ClinGen allele CA4751943.

ClinVar aggregate classification (germline): Uncertain significance. Review status: criteria provided, multiple submitters, no conflicts (2 of 4 stars). 3 submissions from 3 submitters: Uncertain significance (2). 1 of the submissions does not count toward it. Last evaluated 2022-07-06.

Conditions:
Retinal dystrophy. Also called: Inherited retinal dystrophy. Identifiers: Orphanet 71862, MedGen C0854723, MeSH D058499, MONDO:0019118, HP:0000556.

gnomAD v4.1: 6 of 1,613,936 alleles (0.00037%); highest among the groups gnomAD compares: Middle Eastern, 0.033%; no homozygotes.

Submissions (3):

Labcorp Genetics (formerly Invitae), Labcorp
Classification: Uncertain significance. Last evaluated: 2022-07-06. Review status: criteria provided, single submitter. Criteria: Invitae Variant Classification Sherloc (09022015). Collection method: clinical testing. Allele origin: germline.
Comment: This sequence change replaces serine, which is neutral and polar, with tyrosine, which is neutral and polar, at codon 1589 of the RP1 protein (p.Ser1589Tyr). This variant is present in population databases (rs199756880, gnomAD 0.01%). In summary, the available evidence is currently insufficient to determine the role of this variant in disease. Therefore, it has been classified as a Variant of Uncertain Significance. Algorithms developed to predict the effect of missense changes on protein structure and function are either unavailable or do not agree on the potential impact of this missense change (SIFT: "Tolerated"; PolyPhen-2: "Probably Damaging"; Align-GVGD: "Class C0"). ClinVar contains an entry for this variant (Variation ID: 1488394). This variant has not been reported in the literature in individuals affected with RP1-related conditions.

Blueprint Genetics
Classification: Uncertain significance. Last evaluated: 2018-09-19. Review status: criteria provided, single submitter. Criteria: ACMG Guidelines, 2015. Collection method: clinical testing. Allele origin: germline.

Institute of Human Genetics, Univ. Regensburg, Univ. Regensburg
Classification: Uncertain significance for Retinal dystrophy. Last evaluated: 2023-01-01. Review status: no assertion criteria provided. Criteria: ACMG Guidelines, 2015. Collection method: clinical testing. Allele origin: germline. Affected: yes. Not counted in ClinVar's aggregate classification.